The following is an entry in ClinVar:

ClinVar aggregate classification (germline): Likely pathogenic (1 of 4 stars; one submission).

Conditions:
Osteogenesis imperfecta type I (OI1). Also called: OI, TYPE I; OSTEOGENESIS IMPERFECTA TARDA; OSTEOGENESIS IMPERFECTA WITH BLUE SCLERAE; Osteogenesis imperfecta type 1; Classic Non-deforming Osteogenesis Imperfecta with Blue Sclerae; Lobstein's Disease. Identifiers: Orphanet 216796, Orphanet 666, MedGen C0023931, MONDO:0008146, OMIM 166200. Disease mechanism: loss of function.

Submission:

Foundation for Research in Genetics and Endocrinology, FRIGE's Institute of Human Genetics
Classification: Likely pathogenic for Osteogenesis imperfecta type I. Last evaluated: 2025-05-30. Review status: criteria provided, single submitter. Criteria: ACMG Guidelines, 2015. Collection method: clinical testing. Allele origin: germline. Inheritance: Autosomal dominant inheritance. Affected: yes. Observed: 1 heterozygote.
Comment: A heterozygous 1 base pair deletion in exon 19 of the COL1A1 gene that results in a frameshift and premature truncation of the protein 123 amino acids downstream to codon 418 (p.Ser418LeufsTer123) was detected. This variant has not been reported in the 1000 genomes, gnomAD (v3.1), gnomAD (v2.1), topmed databases. The in silico predictions of the variant is damaging by MutationTaster2. The reference region is conserved across species. In summary, the variant meets our criteria to be classified as likely pathogenic.

NM_000088.4(COL1A1):c.1251del (p.Ser418fs)

Gene: COL1A1 (collagen type I alpha 1 chain; minus strand). Cytogenetic location: 17q21.33.
Variant type: Deletion.
Coding change: c.1251del on transcript NM_000088.4 (MANE Select); coding-DNA position 1251, one base deleted (C; older notation c.1251delC).
Protein change: p.Ser418fs; shifts the reading frame from serine 418.
Molecular consequence: frameshift variant.
Genome position (GRCh38, 1-based): chr17:50,195,280, G deleted on the plus strand (C on the coding strand, the reverse complement: COL1A1 is on the minus strand); the first of 4 consecutive G bases (chr17:50,195,280-50,195,283); deleting any one gives the same sequence. VCF-style (leftmost placement, unchanged base first): chr17-50195279-AG-A. GRCh37 (hg19) VCF-style: chr17-48272640-AG-A.
Other names: p.Ser418LeufsTer123; short protein forms S418fs.
Identifiers: ClinVar variation 3901852 (VCV003901852.1).